The following is an entry in ClinVar:

ClinVar aggregate classification (germline): Uncertain significance (1 of 4 stars; one submission).

Conditions:
Microcephaly, normal intelligence and immunodeficiency (NBS). Also called: Immunodeficiency, microcephaly with normal intelligence; Ataxia telangiectasia variant V1; BERLIN BREAKAGE SYNDROME; Nijmegen breakage syndrome; Microcephaly with normal intelligence immunodeficiency and lymphoreticular malignancies; Nonsyndromal microcephaly autosomal recessive with normal intelligence. Identifiers: Orphanet 647, MedGen C0398791, MONDO:0009623, OMIM 251260.

Submission:

Labcorp Genetics (formerly Invitae), Labcorp
Classification: Uncertain significance for Microcephaly, normal intelligence and immunodeficiency. Last evaluated: 2024-02-17. Review status: criteria provided, single submitter. Criteria: Invitae Variant Classification Sherloc (09022015). Collection method: clinical testing. Allele origin: germline.
Comment: This sequence change replaces leucine, which is neutral and non-polar, with arginine, which is basic and polar, at codon 682 of the NBN protein (p.Leu682Arg). This variant is not present in population databases (gnomAD no frequency). This variant has not been reported in the literature in individuals affected with NBN-related conditions. ClinVar contains an entry for this variant (Variation ID: 2089727). An algorithm developed to predict the effect of missense changes on protein structure and function (PolyPhen-2) suggests that this variant is likely to be tolerated. In summary, the available evidence is currently insufficient to determine the role of this variant in disease. Therefore, it has been classified as a Variant of Uncertain Significance.

NM_002485.5(NBN):c.2045T>G (p.Leu682Arg)

Gene: NBN (nibrin; minus strand). Cytogenetic location: 8q21.3.
Variant type: single nucleotide variant.
Coding change: c.2045T>G on transcript NM_002485.5 (MANE Select); coding-DNA position 2045, T replaced by G.
Protein change: p.Leu682Arg; replaces leucine 682 with arginine.
Molecular consequence: missense variant.
Genome position (GRCh38, 1-based): chr8:89,946,165, A>C on the plus strand (T>G on the coding strand, the complement: NBN is on the minus strand). VCF-style: chr8-89946165-A-C. GRCh37 (hg19) VCF-style: chr8-90958393-A-C.
Other names: c.1799T>G, p.Leu600Arg (NM_001024688.3); short protein forms L682R, L600R.
Identifiers: ClinVar variation 2089727 (VCV002089727.4), dbSNP rs2130763732, ClinGen allele CA371676370.